The following is an entry in ClinVar:

NM_018082.6(POLR3B):c.3396T>C (p.Asn1132=)

Genes: RFX4-AS1 (RFX4 antisense RNA 1; minus strand), POLR3B (RNA polymerase III subunit B; plus strand). Cytogenetic location: 12q23.3.
Variant type: single nucleotide variant.
Coding change: c.3396T>C on transcript NM_018082.6 (MANE Select); coding-DNA position 3396, T replaced by C.
Protein change: p.Asn1132=; no amino-acid change (asparagine 1132 retained).
Molecular consequence: synonymous variant.
Genome position (GRCh38, 1-based): chr12:106,509,543, T>C. VCF-style: chr12-106509543-T-C. GRCh37 (hg19) VCF-style: chr12-106903321-T-C.
Other names: p.Asn1132=; c.3222T>C, p.Asn1074= (NM_001160708.2).
Identifiers: ClinVar variation 130003 (VCV000130003.23), dbSNP rs13561, ClinGen allele CA154738.

ClinVar aggregate classification (germline): Benign. Review status: criteria provided, multiple submitters, no conflicts (2 of 4 stars). 8 submissions from 8 submitters: Benign (7). 1 of the submissions does not count toward it. Last evaluated 2026-02-04.

Conditions:
Leukodystrophy, hypomyelinating, 8, with or without oligodontia and/or hypogonadotropic hypogonadism. Also called: Hypomyelinating leukodystrophy 8 with or without oligodontia and-or hypogonadotropic hypogonadism; Endosteal sclerosis-cerebellar hypoplasia syndrome; LEUKODYSTROPHY, HYPOMYELINATING, 8, WITH HYPODONTIA AND HYPOGONADOTROPIC HYPOGONADISM. Identifiers: Orphanet 85186, Orphanet 88637, MedGen C3280644, MONDO:0013722, OMIM 614381.

Allele frequency attached by ClinVar (database versions not stated): ESP Exome Variant Server 0.21152; gnomAD 0.24486 and 0.25524; TOPMed 0.24937; gnomAD exomes 0.29184 and 0.33052; 1000 Genomes Project 30x 0.31059; ExAC 0.32414; 1000 Genomes Project 0.32488.
gnomAD v4.1: 464,981 of 1,608,434 alleles (29%); highest among the groups gnomAD compares: East Asian, 67%; 74,246 homozygotes.

Submissions (8):

Labcorp Genetics (formerly Invitae), Labcorp
Classification: Benign. Last evaluated: 2026-02-04. Review status: criteria provided, single submitter. Criteria: Invitae Variant Classification Sherloc (09022015). Collection method: clinical testing. Allele origin: germline.

Blueprint Genetics
Classification: Benign. Last evaluated: 2024-11-27. Review status: criteria provided, single submitter. Criteria: ACMG Guidelines, 2015. Collection method: clinical testing. Allele origin: germline.

Mayo Clinic Laboratories, Mayo Clinic
Classification: Benign. Last evaluated: 2022-03-24. Review status: criteria provided, single submitter. Criteria: ACMG Guidelines, 2015. Collection method: clinical testing. Allele origin: germline. Observed: 221 variant alleles.

Genome-Nilou Lab
Classification: Benign for Leukodystrophy, hypomyelinating, 8, with or without oligodontia and/or hypogonadotropic hypogonadism. Last evaluated: 2021-10-25. Review status: criteria provided, single submitter. Criteria: ACMG Guidelines, 2015. Collection method: clinical testing. Allele origin: germline. Affected: no.

GeneDx
Classification: Benign. Last evaluated: 2018-08-13. Review status: criteria provided, single submitter. Criteria: GeneDx Variant Classification Process June 2021. Collection method: clinical testing. Allele origin: germline. Affected: yes.

Illumina Laboratory Services, Illumina
Classification: Benign for Leukodystrophy, hypomyelinating, 8, with or without oligodontia and/or hypogonadotropic hypogonadism. Last evaluated: 2018-01-12. Review status: criteria provided, single submitter. Criteria: ICSL Variant Classification Criteria 13 December 2019. Collection method: clinical testing. Allele origin: germline.
Comment: This variant was observed in the ICSL laboratory as part of a predisposition screen in an ostensibly healthy population. It had not been previously curated by ICSL or reported in the Human Gene Mutation Database (HGMD: prior to June 1st, 2018), and was therefore a candidate for classification through an automated scoring system. Utilizing variant allele frequency, disease prevalence and penetrance estimates, and inheritance mode, an automated score was calculated to assess if this variant is too frequent to cause the disease. Based on the score and internal cut-off values, a variant classified as benign is not then subjected to further curation. The score for this variant resulted in a classification of benign for this disease.

Breakthrough Genomics
Classification: Benign. Review status: criteria provided, single submitter. Criteria: ACMG Guidelines, 2015. Collection method: not provided. Allele origin: germline. Inheritance: Autosomal recessive inheritance. Affected: yes.

Genetic Services Laboratory, University of Chicago
Classification: Likely benign for AllHighlyPenetrant. Review status: no assertion criteria provided. Collection method: clinical testing. Allele origin: germline. Inheritance: Autosomal recessive inheritance. Not counted in ClinVar's aggregate classification.
Comment: Likely benign based on allele frequency in 1000 Genomes Project or ESP global frequency and its presence in a patient with a rare or unrelated disease phenotype. NOT Sanger confirmed.